The following is an entry in ClinVar:

ClinVar aggregate classification (germline): Uncertain significance (1 of 4 stars; one submission).

Conditions:
PKHD1-related disorder. Also called: PKHD1-related condition.

gnomAD v4.1: 1 of 1,611,908 alleles (0.000062%); highest among the groups gnomAD compares: South Asian, 0.0011%; no homozygotes.

Submission:

PreventionGenetics, part of Exact Sciences
Classification: Uncertain significance for PKHD1-related condition. Last evaluated: 2026-03-03. Review status: criteria provided, single submitter. Criteria: ACMG Guidelines, 2015. Collection method: clinical testing. Allele origin: germline.
Comment: The PKHD1 c.6491G>A variant is predicted to result in the amino acid substitution p.Gly2164Asp. To our knowledge, this variant has not been reported in the literature or in a large population database (gnomAD), indicating this variant is rare. At this time, the clinical significance of this variant is uncertain due to the absence of conclusive functional and genetic evidence.

NM_138694.4(PKHD1):c.6491G>A (p.Gly2164Asp)

Gene: PKHD1 (PKHD1 ciliary IPT domain containing fibrocystin/polyductin; minus strand). Cytogenetic location: 6p12.2.
Variant type: single nucleotide variant.
Coding change: c.6491G>A on transcript NM_138694.4 (MANE Select); coding-DNA position 6491, G replaced by A.
Protein change: p.Gly2164Asp; replaces glycine 2164 with aspartic acid.
Molecular consequence: missense variant.
Genome position (GRCh38, 1-based): chr6:51,909,474, C>T on the plus strand (G>A on the coding strand, the complement: PKHD1 is on the minus strand). VCF-style: chr6-51909474-C-T. GRCh37 (hg19) VCF-style: chr6-51774272-C-T.
Other names: c.6491G>A, p.Gly2164Asp (NM_170724.3); short protein forms G2164D.
Identifiers: ClinVar variation 4983504 (VCV004983504.1).